The following is an entry in ClinVar:

ClinVar aggregate classification (germline): Conflicting classifications of pathogenicity. Review status: criteria provided, conflicting classifications (1 of 4 stars). 4 submissions from 4 submitters: Uncertain significance (2); Likely benign (2). Last evaluated 2025-07-20.

Conditions:
Cardiomyopathy (CMYO). Also called: Cardiomyopathies. Identifiers: Orphanet 167848, MedGen C0878544, MONDO:0004994, HP:0001638. Inheritance: Various modes of inheritance.
Hypertrophic cardiomyopathy. Also called: HYPERTROPHIC MYOCARDIOPATHY. Identifiers: Orphanet 217569, MedGen C0007194, MeSH D002312, MONDO:0005045, HP:0001639.

Allele frequency attached by ClinVar (database versions not stated): gnomAD exomes 0.00001; ExAC 0.00002; gnomAD 0.00003; TOPMed 0.00004; ESP Exome Variant Server 0.00008.
gnomAD v4.1: 12 of 1,612,024 alleles (0.00074%); highest among the groups gnomAD compares: African/African-American, 0.011%; no homozygotes.

Submissions (4):

Labcorp Genetics (formerly Invitae), Labcorp
Classification: Likely benign for Hypertrophic cardiomyopathy. Last evaluated: 2025-07-20. Review status: criteria provided, single submitter. Criteria: Invitae Variant Classification Sherloc (09022015). Collection method: clinical testing. Allele origin: germline.

All of Us Research Program, National Institutes of Health
Classification: Uncertain significance for Cardiomyopathy. Last evaluated: 2023-10-02. Review status: criteria provided, single submitter. Criteria: ACMG Guidelines, 2015. Collection method: clinical testing. Allele origin: germline. Inheritance: Autosomal dominant inheritance. Observed: 2 variant alleles, 2 heterozygotes.
Comment: This variant causes a C to A nucleotide substitution at the -15 position of intron 30 of the MYH7 gene. To our knowledge, functional studies have not been reported for this variant. This variant has not been reported in individuals affected with MYH7-related disorders in the literature. This variant has been identified in 4/281102 chromosomes in the general population by the Genome Aggregation Database (gnomAD). The available evidence is insufficient to determine the role of this variant in disease conclusively. Therefore, this variant is classified as a Variant of Uncertain Significance.

This study involves interpretation of variants in research participants for the purpose of population health screening. Participant phenotype was not available at the time of variant classification. Additional details can be found in publication PMID: 35346344, PMCID: PMC8962531

Color Diagnostics, LLC DBA Color Health
Classification: Uncertain significance for Cardiomyopathy. Last evaluated: 2023-09-14. Review status: criteria provided, single submitter. Criteria: ACMG Guidelines, 2015. Collection method: clinical testing. Allele origin: germline.
Comment: This variant causes a C to A nucleotide substitution at the -15 position of intron 30 of the MYH7 gene. To our knowledge, functional studies have not been reported for this variant. This variant has not been reported in individuals affected with MYH7-related disorders in the literature. This variant has been identified in 4/281102 chromosomes in the general population by the Genome Aggregation Database (gnomAD). The available evidence is insufficient to determine the role of this variant in disease conclusively. Therefore, this variant is classified as a Variant of Uncertain Significance.

GeneDx
Classification: Likely benign. Last evaluated: 2015-11-10. Review status: criteria provided, single submitter. Criteria: GeneDx Variant Classification (06012015). Collection method: clinical testing. Allele origin: germline. Affected: yes.
Comment: This variant is considered likely benign or benign based on one or more of the following criteria: it is a conservative change, it occurs at a poorly conserved position in the protein, it is predicted to be benign by multiple in silico algorithms, and/or has population frequency not consistent with disease.

NM_000257.4(MYH7):c.4170-15C>A

Gene: MYH7 (myosin heavy chain 7; minus strand). Cytogenetic location: 14q11.2.
Variant type: single nucleotide variant.
Coding change: c.4170-15C>A on transcript NM_000257.4 (MANE Select); 15 bases into the intron before coding-DNA position 4170, C replaced by A.
Molecular consequence: intron variant.
Genome position (GRCh38, 1-based): chr14:23,417,701, G>T on the plus strand (C>A on the coding strand, the complement: MYH7 is on the minus strand). VCF-style: chr14-23417701-G-T. GRCh37 (hg19) VCF-style: chr14-23886910-G-T.
Other names: c.4170-15C>A (LRG_384t1).
Identifiers: ClinVar variation 381321 (VCV000381321.13), dbSNP rs370438666, ClinGen allele CA040963.